The following is an entry in ClinVar:

NM_016247.4(IMPG2):c.246T>C (p.Ser82=)

Gene: IMPG2 (interphotoreceptor matrix proteoglycan 2; minus strand). Cytogenetic location: 3q12.3.
Variant type: single nucleotide variant.
Coding change: c.246T>C on transcript NM_016247.4 (MANE Select); coding-DNA position 246, T replaced by C.
Protein change: p.Ser82=; no amino-acid change (serine 82 retained).
Molecular consequence: synonymous variant.
Genome position (GRCh38, 1-based): chr3:101,319,672, A>G on the plus strand (T>C on the coding strand, the complement: IMPG2 is on the minus strand). VCF-style: chr3-101319672-A-G. GRCh37 (hg19) VCF-style: chr3-101038516-A-G.
Other names: c.246T>C (NM_016247.3).
Identifiers: ClinVar variation 1093399 (VCV001093399.11), dbSNP rs553966102, ClinGen allele CA2519530.

ClinVar aggregate classification (germline): Likely benign. Review status: criteria provided, multiple submitters, no conflicts (2 of 4 stars). 3 submissions from 3 submitters: Likely benign (3). Last evaluated 2025-11-06.

Conditions:
IMPG2-related disorder. Also called: IMPG2-related condition.

Allele frequency attached by ClinVar (database versions not stated): ExAC 0.00005; gnomAD exomes 0.00008; gnomAD 0.00015; 1000 Genomes Project 30x 0.00016; 1000 Genomes Project 0.00020; TOPMed 0.00034.
gnomAD v4.1: 58 of 1,613,736 alleles (0.0036%); highest among the groups gnomAD compares: Admixed American, 0.085%; 2 homozygotes.

Submissions (3):

Labcorp Genetics (formerly Invitae), Labcorp
Classification: Likely benign. Last evaluated: 2025-11-06. Review status: criteria provided, single submitter. Criteria: Invitae Variant Classification Sherloc (09022015). Collection method: clinical testing. Allele origin: germline.

PreventionGenetics, part of Exact Sciences
Classification: Likely benign for IMPG2-related condition. Last evaluated: 2025-04-26. Review status: criteria provided, single submitter. Criteria: ACMG Guidelines, 2015. Collection method: clinical testing. Allele origin: germline.
Comment: This variant is classified as likely benign based on ACMG/AMP sequence variant interpretation guidelines (Richards et al. 2015 PMID: 25741868, with internal and published modifications).

Blueprint Genetics
Classification: Likely benign. Last evaluated: 2020-03-25. Review status: criteria provided, single submitter. Criteria: ACMG Guidelines, 2015. Collection method: clinical testing. Allele origin: germline.